The following is an entry in ClinVar:

NM_022765.4(MICAL1):c.3028G>A (p.Glu1010Lys)

Gene: MICAL1 (microtubule associated monooxygenase, calponin and LIM domain containing 1; minus strand). Cytogenetic location: 6q21.
Variant type: single nucleotide variant.
Coding change: c.3028G>A on transcript NM_022765.4 (MANE Select); coding-DNA position 3028, G replaced by A.
Protein change: p.Glu1010Lys; replaces glutamic acid 1010 with lysine.
Molecular consequence: missense variant.
Genome position (GRCh38, 1-based): chr6:109,444,752, C>T on the plus strand (G>A on the coding strand, the complement: MICAL1 is on the minus strand). VCF-style: chr6-109444752-C-T. GRCh37 (hg19) VCF-style: chr6-109765955-C-T.
Other names: c.2770G>A, p.Glu924Lys (NM_001159291.2); c.3085G>A, p.Glu1029Lys (NM_001286613.2); c.3028G>A (NM_022765.3); short protein forms E1010K, E1029K, E924K.
Identifiers: ClinVar variation 2879780 (VCV002879780.4), dbSNP rs1415571196, ClinGen allele CA365221002.
Genomic context (GRCh38, chr6:109,444,752, plus strand): 5'-GGATGTGTCTGCTTCTCCCCACATTTCACCTACCTTCCCGGTTCATGTAGCCTCGTAGCT[C>T]CTGGTCCAGCTGCCACTGTTTCTCCTCCAGATTCAATTCCTGCACCCTGTGGAGGTCAGG-3'
Protein context (NP_073602.3, residues 1000-1020): LEEKQWQLDQ[Glu1010Lys]LRGYMNREEN

ClinVar aggregate classification (germline): Uncertain significance. Review status: criteria provided, multiple submitters, no conflicts (2 of 4 stars). 2 submissions from 2 submitters: Uncertain significance (2). Last evaluated 2025-10-26.

Allele frequency attached by ClinVar (database versions not stated): gnomAD 0.00002; TOPMed 0.00002.

Submissions (2):

Labcorp Genetics (formerly Invitae), Labcorp
Classification: Uncertain significance. Last evaluated: 2025-10-26. Review status: criteria provided, single submitter. Criteria: Invitae Variant Classification Sherloc (09022015). Collection method: clinical testing. Allele origin: germline.
Comment: This sequence change replaces glutamic acid, which is acidic and polar, with lysine, which is basic and polar, at codon 1029 of the MICAL1 protein (p.Glu1029Lys). The frequency data for this variant in the population databases is considered unreliable, as metrics indicate poor data quality at this position in the gnomAD database. This variant has not been reported in the literature in individuals affected with MICAL1-related conditions. ClinVar contains an entry for this variant (Variation ID: 2879780). An algorithm developed to predict the effect of missense changes on protein structure and function outputs the following: PolyPhen-2: "Benign". The lysine amino acid residue is found in multiple mammalian species, which suggests that this missense change does not adversely affect protein function. In summary, the available evidence is currently insufficient to determine the role of this variant in disease. Therefore, it has been classified as a Variant of Uncertain Significance.

Ambry Genetics
Classification: Uncertain significance. Last evaluated: 2024-05-26. Review status: criteria provided, single submitter. Criteria: Ambry Variant Classification Scheme 2023. Collection method: clinical testing. Allele origin: germline.